The following is an entry in ClinVar:

ClinVar aggregate classification (germline): Pathogenic (1 of 4 stars; one submission).

Submission:

Genetics Laboratory, UDIAT-Centre Diagnòstic, Hospital Universitari Parc Tauli
Classification: Pathogenic. Last evaluated: 2021-04-26. Review status: criteria provided, single submitter. Criteria: Parc Tauli Hospital Assertion Criteria 2021. Collection method: clinical testing. Allele origin: de novo. Inheritance: Autosomal dominant inheritance. Affected: yes. Observed: 1 heterozygote.
Comment: PVS1_very strong;PM2_supporting;PM6_moderate;PP3_supporting

NM_013275.6(ANKRD11):c.602-1G>A

Gene: ANKRD11 (ankyrin repeat domain containing 11; minus strand). Cytogenetic location: 16q24.3.
Variant type: single nucleotide variant.
Coding change: c.602-1G>A on transcript NM_013275.6 (MANE Select); the canonical splice acceptor site of the intron before coding-DNA position 602, G replaced by A.
Molecular consequence: splice acceptor variant.
Genome position (GRCh38, 1-based): chr16:89,288,671, C>T on the plus strand (G>A on the coding strand, the complement: ANKRD11 is on the minus strand). VCF-style: chr16-89288671-C-T. GRCh37 (hg19) VCF-style: chr16-89355079-C-T.
Other names: c.602-1G>A (NM_001256183.2, NM_001256182.2).
Identifiers: ClinVar variation 1098344 (VCV001098344.2), dbSNP rs2151784027, ClinGen allele CA397167088.